The following is an entry in ClinVar:

ClinVar aggregate classification (germline): Uncertain significance (1 of 4 stars; one submission).

Conditions:
Chédiak-Higashi syndrome (CHS). Also called: Chediak-Higashi Syndrome. Identifiers: Orphanet 167, MedGen C0007965, MONDO:0008963, OMIM 214500.

Allele frequency attached by ClinVar (database versions not stated): TOPMed below 0.00001; gnomAD 0.00001; gnomAD exomes 0.00001.
gnomAD v4.1: 11 of 1,613,582 alleles (0.00068%); highest among the groups gnomAD compares: South Asian, 0.0077%; no homozygotes.

Submission:

Labcorp Genetics (formerly Invitae), Labcorp
Classification: Uncertain significance for Chédiak-Higashi syndrome. Last evaluated: 2022-02-10. Review status: criteria provided, single submitter. Criteria: Invitae Variant Classification Sherloc (09022015). Collection method: clinical testing. Allele origin: germline.
Comment: This sequence change replaces arginine, which is basic and polar, with glycine, which is neutral and non-polar, at codon 50 of the LYST protein (p.Arg50Gly). This variant is present in population databases (no rsID available, gnomAD 0.003%). This variant has not been reported in the literature in individuals affected with LYST-related conditions. ClinVar contains an entry for this variant (Variation ID: 844489). Algorithms developed to predict the effect of missense changes on protein structure and function are either unavailable or do not agree on the potential impact of this missense change (SIFT: "Deleterious"; PolyPhen-2: "Probably Damaging"; Align-GVGD: "Class C0"). In summary, the available evidence is currently insufficient to determine the role of this variant in disease. Therefore, it has been classified as a Variant of Uncertain Significance.

NM_000081.4(LYST):c.148C>G (p.Arg50Gly)

Gene: LYST (lysosomal trafficking regulator; minus strand). Cytogenetic location: 1q42.3.
Variant type: single nucleotide variant.
Coding change: c.148C>G on transcript NM_000081.4 (MANE Select); coding-DNA position 148, C replaced by G.
Protein change: p.Arg50Gly; replaces arginine 50 with glycine.
Molecular consequence: missense variant. On other transcripts: non-coding transcript variant (1).
Genome position (GRCh38, 1-based): chr1:235,830,270, G>C on the plus strand (C>G on the coding strand, the complement: LYST is on the minus strand). VCF-style: chr1-235830270-G-C. GRCh37 (hg19) VCF-style: chr1-235993570-G-C.
Other names: c.148C>G, p.Arg50Gly (NM_001301365.1); short protein forms R50G.
Identifiers: ClinVar variation 844489 (VCV000844489.7), dbSNP rs80338643, ClinGen allele CA344968694.
Genomic context (GRCh38, chr1:235,830,270, plus strand): 5'-GATATAAAAATGTTACCTGATCAATTATAGAATTTAGCTTGGTAAGTAATAGAAATCCTC[G>C]ACCATGGACAAGGTACTGTCCAAGGGTTGCCATGTGCGTCTCCTCCTCTTCTTCCTCCCT-3'
Protein context (NP_000072.2, residues 40-60): ATLGQYLVHG[Arg50Gly]GFLLLTKLNS